The following is an entry in ClinVar:

NM_004817.4(TJP2):c.3325G>T (p.Glu1109Ter)

Gene: TJP2 (tight junction protein 2; plus strand). Cytogenetic location: 9q21.11.
Variant type: single nucleotide variant.
Coding change: c.3325G>T on transcript NM_004817.4 (MANE Select); coding-DNA position 3325, G replaced by T.
Protein change: p.Glu1109Ter; replaces glutamic acid 1109 with a stop codon.
Molecular consequence: nonsense.
Genome position (GRCh38, 1-based): chr9:69,252,818, G>T. VCF-style: chr9-69252818-G-T. GRCh37 (hg19) VCF-style: chr9-71867734-G-T.
Other names: c.2815G>T, p.Glu939Ter (NM_001170414.2); c.3226G>T, p.Glu1076Ter (NM_001170415.1); c.3418G>T, p.Glu1140Ter (NM_001170416.2); c.3250G>T, p.Glu1084Ter (NM_001369870.1); c.3256G>T, p.Glu1086Ter (NM_001369871.1); c.3214G>T, p.Glu1072Ter (NM_001369872.1); c.3001G>T, p.Glu1001Ter (NM_001369873.1); c.2896G>T, p.Glu966Ter (NM_001369874.1); and 2 more; short protein forms E1001*, E1072*, E1076*, E1084*, E1086*, E1109*, E1113*, E1140*.
Identifiers: ClinVar variation 1323690 (VCV001323690.8), dbSNP rs1225374015, ClinGen allele CA373543192.

ClinVar aggregate classification (germline): Pathogenic/Likely pathogenic. Review status: criteria provided, multiple submitters, no conflicts (2 of 4 stars). 3 submissions from 3 submitters: Pathogenic (2); Likely pathogenic (1). Last evaluated 2023-05-20.

Conditions:
Cholestasis, progressive familial intrahepatic, 4. Identifiers: Orphanet 480483, Orphanet 79304, MedGen C2931067, MONDO:0014381, OMIM 615878.

gnomAD v4.1: 2 of 1,614,066 alleles (0.00012%); highest among the groups gnomAD compares: South Asian, 0.0011%; no homozygotes.

Submissions (3):

Neuberg Centre For Genomic Medicine, NCGM
Classification: Likely pathogenic for Cholestasis, progressive familial intrahepatic, 4. Last evaluated: 2023-05-20. Review status: criteria provided, single submitter. Criteria: ACMG Guidelines, 2015. Collection method: clinical testing. Allele origin: germline. Inheritance: Autosomal recessive inheritance. Affected: yes.
Comment: The stop gained c.3325G>T (p.Glu1109Ter) variant in the TJP2 gene has not been reported previously as a pathogenic variant nor as a benign variant, to our knowledge. This variant is reported with the allele frequency (0.0003%) in the gnomAD Exomes. This variant has been reported to the ClinVar database as Pathogenic. Loss of function variants have been previously reported to be disease causing. Computational evidence (MutationTaster - Disease causing) predicts damaging effect on protein structure and function for this variant. The nucleotide change c.3325G>T in TJP2 is predicted as conserved by GERP++ and PhyloP across 100 vertebrates. this variant is present in the penultimate exon, however termination variants downstream t this position found to be pathogenic .(Sambrotta M et al., 2014).. For these reasons, this variant has been classified as likely pathogenic.

Victorian Clinical Genetics Services, Murdoch Childrens Research Institute
Classification: Pathogenic for Cholestasis, progressive familial intrahepatic, 4. Last evaluated: 2020-10-19. Review status: criteria provided, single submitter. Criteria: ACMG Guidelines, 2015. Collection method: clinical testing. Allele origin: germline. Inheritance: Autosomal recessive inheritance. Affected: yes.
Comment: Based on the classification scheme VCGS_Germline_v1.3.3, this variant is classified as Pathogenic. Following criteria are met: 0102 - Loss of function is a known mechanism of disease in this gene and is associated with progressive familial intrahepatic cholestasis 4 (MIM#615878) (PMID: 24614073). (I) 0106 - This gene is associated with autosomal recessive disease. (I) 0115 - Variants in this gene are known to have variable expressivity. Highly variable disease expression has been reported in patients with progressive familial intrahepatic cholestasis 4 (PMID: 32089630). (I) 0201 - Variant is predicted to cause nonsense-mediated decay (NMD) and loss of protein (premature termination codon is located at least 54 nucleotides upstream of the final exon-exon junction). (SP) 0252 - This variant is homozygous. (I) 0304 - Variant is present in gnomAD (v2) <0.01 for a recessive condition (1 heterozygote, 0 homozygotes). (SP) 0701 - Other NMD predicted variants comparable to the one identified in this case have very strong previous evidence for pathogenicity (ClinVar, PMID: 32089630). (SP) 0807 - This variant has no previous evidence of pathogenicity. (I) 0905 - No published segregation evidence has been identified for this variant. (I) 1007 - No published functional evidence has been identified for this variant. (I) 1102 - Strong phenotype match for this individual. (SP) 1208 - Inheritance information for this variant is not currently available in this individual. (I) Legend: (SP) - Supporting pathogenic, (I) - Information, (SB) - Supporting benign

Revvity Omics, Revvity
Classification: Pathogenic. Last evaluated: 2019-08-30. Review status: criteria provided, single submitter. Criteria: ACMG Guidelines, 2015. Collection method: clinical testing. Allele origin: germline.

Literature cited by the submitters: PubMed 24614073 (cited by Victorian Clinical Genetics Services, Murdoch Childrens Research Institute); PubMed 32089630 (cited by Victorian Clinical Genetics Services, Murdoch Childrens Research Institute).